The following is an entry in ClinVar:

NM_003334.4(UBA1):c.253G>A (p.Val85Met)

Genes: UBA1 (ubiquitin like modifier activating enzyme 1; plus strand), LOC126863253 (CDK7 strongly-dependent group 2 enhancer GRCh37_chrX:47057593-47058792; plus strand). Cytogenetic location: Xp11.3.
Variant type: single nucleotide variant.
Coding change: c.253G>A on transcript NM_003334.4 (MANE Select); coding-DNA position 253, G replaced by A.
Protein change: p.Val85Met; replaces valine 85 with methionine.
Molecular consequence: missense variant.
Genome position (GRCh38, 1-based): chrX:47,199,285, G>A. VCF-style: chrX-47199285-G-A. GRCh37 (hg19) VCF-style: chrX-47058684-G-A.
Other names: p.Val85Met; c.253G>A, p.Val85Met (NM_153280.3); short protein forms V85M.
Identifiers: ClinVar variation 1168624 (VCV001168624.37), dbSNP rs782796398, ClinGen allele CA10395633.
Genomic context (GRCh38, chrX:47,199,285, plus strand): 5'-GAGGCAATGAAGCGGCTCCAGACATCCAGTGTCCTGGTATCAGGCCTGCGGGGCCTGGGC[G>A]TGGAGATCGCTAAGAACATCATCCTTGGTGGGGTCAAGGCTGTTACCCTACATGACCAGG-3'
Protein context (NP_003325.2, residues 75-95): VLVSGLRGLG[Val85Met]EIAKNIILGG

ClinVar aggregate classification (germline): Conflicting classifications of pathogenicity. Review status: criteria provided, conflicting classifications (1 of 4 stars). 5 submissions from 5 submitters: Uncertain significance (1); Benign (1); Likely benign (3). Last evaluated 2025-08-29.

Conditions:
Inborn genetic diseases. Identifiers: MedGen C0950123, MeSH D030342.
Infantile-onset X-linked spinal muscular atrophy. Also called: Spinal Muscular Atrophy, X-Linked Infantile; AMC, DISTAL, X-LINKED; ARTHROGRYPOSIS, X-LINKED, TYPE I; SPINAL MUSCULAR ATROPHY, X-LINKED LETHAL INFANTILE; Spinal muscular atrophy, X-linked 2. Identifiers: Orphanet 1145, MedGen C1844934, MONDO:0010532, OMIM 301830.

Allele frequency attached by ClinVar (database versions not stated): TOPMed 0.00004; gnomAD 0.00006 and 0.00007; gnomAD exomes 0.00008 and 0.00009; ExAC 0.00010.
gnomAD v4.1: 109 of 1,210,654 alleles (0.009%); highest among the groups gnomAD compares: Non-Finnish European, 0.012%; no homozygotes.

Submissions (5):

Labcorp Genetics (formerly Invitae), Labcorp
Classification: Benign for Infantile-onset X-linked spinal muscular atrophy. Last evaluated: 2025-08-29. Review status: criteria provided, single submitter. Criteria: Invitae Variant Classification Sherloc (09022015). Collection method: clinical testing. Allele origin: germline.

Blueprint Genetics
Classification: Likely benign. Last evaluated: 2024-04-08. Review status: criteria provided, single submitter. Criteria: ACMG Guidelines, 2015. Collection method: clinical testing. Allele origin: germline.

Mayo Clinic Laboratories, Mayo Clinic
Classification: Uncertain significance. Last evaluated: 2023-09-21. Review status: criteria provided, single submitter. Criteria: ACMG Guidelines, 2015. Collection method: clinical testing. Allele origin: germline. Observed: 8 variant alleles.
Comment: BS2

CeGaT Center for Human Genetics Tuebingen
Classification: Likely benign. Last evaluated: 2023-05-01. Review status: criteria provided, single submitter. Criteria: CeGaT Center For Human Genetics Tuebingen Variant Classification Criteria Version 2. Collection method: clinical testing. Allele origin: germline. Affected: yes. Observed: 1 variant allele.
Comment: UBA1: BS2

Ambry Genetics
Classification: Likely benign for Inborn genetic diseases. Last evaluated: 2022-04-07. Review status: criteria provided, single submitter. Criteria: Ambry Variant Classification Scheme 2023. Collection method: clinical testing. Allele origin: germline.